The following is an entry in ClinVar:

ClinVar aggregate classification (germline): Pathogenic. Review status: criteria provided, single submitter (1 of 4 stars). 2 submissions from 2 submitters: Pathogenic (1). 1 of the submissions does not count toward it. Last evaluated 2022-03-23.

Conditions:
Early-infantile DEE. Also called: Early infantile epileptic encephalopathy; Early infantile epileptic encephalopathy with suppression bursts; Ohtahara syndrome. Identifiers: Orphanet 1934, MedGen C0393706, MONDO:0800491.
Severe myoclonic epilepsy in infancy (DRVT). Also called: SEVERE MYOCLONIC EPILEPSY OF INFANCY; DEVELOPMENTAL AND EPILEPTIC ENCEPHALOPATHY 6A; Severe Myoclonic Epilepsy in Infancy (SMEI); Dravet syndrome; Epileptic encephalopathy, early infantile, 6 (Dravet syndrome). Identifiers: Orphanet 33069, MedGen C0751122, MONDO:0100135, OMIM 607208.

Submissions (2):

Labcorp Genetics (formerly Invitae), Labcorp
Classification: Pathogenic for Early-infantile DEE. Last evaluated: 2022-03-23. Review status: criteria provided, single submitter. Criteria: Invitae Variant Classification Sherloc (09022015). Collection method: clinical testing. Allele origin: germline.
Comment: This variant disrupts the p.Ser1773 amino acid residue in SCN1A. Other variant(s) that disrupt this residue have been determined to be pathogenic (Invitae). This suggests that this residue is clinically significant, and that variants that disrupt this residue are likely to be disease-causing. Advanced modeling of protein sequence and biophysical properties (such as structural, functional, and spatial information, amino acid conservation, physicochemical variation, residue mobility, and thermodynamic stability) performed at Invitae indicates that this missense variant is expected to disrupt SCN1A protein function. ClinVar contains an entry for this variant (Variation ID: 68568). This missense change has been observed in individual(s) with Dravet syndrome (PMID: 17054684). In at least one individual the variant was observed to be de novo. This variant is not present in population databases (gnomAD no frequency). This sequence change replaces serine, which is neutral and polar, with phenylalanine, which is neutral and non-polar, at codon 1773 of the SCN1A protein (p.Ser1773Phe). For these reasons, this variant has been classified as Pathogenic.

UniProtKB/Swiss-Prot
No classification provided. Condition: Severe myoclonic epilepsy in infancy. Review status: no classification provided. Collection method: not provided. Allele origin: unknown. Not counted in ClinVar's aggregate classification.

Literature cited by the submitters: PubMed 17054684 (cited by Labcorp Genetics (formerly Invitae), Labcorp).

NM_001165963.4(SCN1A):c.5318C>T (p.Ser1773Phe)

Genes: SCN1A (sodium voltage-gated channel alpha subunit 1; minus strand), LOC102724058 (uncharacterized LOC102724058; plus strand). Cytogenetic location: 2q24.3.
Variant type: single nucleotide variant.
Coding change: c.5318C>T on transcript NM_001165963.4 (MANE Select); coding-DNA position 5318, C replaced by T.
Protein change: p.Ser1773Phe; replaces serine 1773 with phenylalanine.
Molecular consequence: missense variant. On other transcripts: non-coding transcript variant (1).
Genome position (GRCh38, 1-based): chr2:165,991,957, G>A on the plus strand (C>T on the coding strand, the complement: SCN1A is on the minus strand). VCF-style: chr2-165991957-G-A. GRCh37 (hg19) VCF-style: chr2-166848467-G-A.
Other names: c.5234C>T, p.Ser1745Phe (NM_001165964.3, NM_001353957.2, NM_001353958.2); c.5318C>T, p.Ser1773Phe (NM_001202435.3, NM_001353948.2); c.5285C>T, p.Ser1762Phe (NM_001353949.2, NM_001353950.2, NM_001353951.2 and 2 more transcripts); c.5282C>T, p.Ser1761Phe (NM_001353954.2, NM_001353955.2); c.5231C>T, p.Ser1744Phe (NM_001353960.2); c.2876C>T, p.Ser959Phe (NM_001353961.2); short protein forms S1762F, S1773F, S1744F, S1745F, S1761F, S959F.
Identifiers: ClinVar variation 68568 (VCV000068568.8), dbSNP rs121917951, ClinGen allele CA285015.
Genomic context (GRCh38, chr2:165,991,957, plus strand): 5'-GTAGCAACACTGAAGTTCTCCAGGATGACCGCGATGTACATGTTCACCACAACCAGGAAG[G>A]ATATGATGATGTAACTGACAAAAAAGAAAATTCCAACAGATGGGTTCCCACAGTCTCCCT-3'
Protein context (NP_001159435.1, residues 1763-1783): IFFFVSYIII[Ser1773Phe]FLVVVNMYIA